The following is an entry in ClinVar:

NM_000751.3(CHRND):c.209A>C (p.Glu70Ala)

Gene: CHRND (cholinergic receptor nicotinic delta subunit; plus strand). Cytogenetic location: 2q37.1.
Variant type: single nucleotide variant.
Coding change: c.209A>C on transcript NM_000751.3 (MANE Select); coding-DNA position 209, A replaced by C.
Protein change: p.Glu70Ala; replaces glutamic acid 70 with alanine.
Molecular consequence: missense variant. On other transcripts: 5 prime UTR variant (2), intron variant (1).
Genome position (GRCh38, 1-based): chr2:232,527,411, A>C. VCF-style: chr2-232527411-A-C. GRCh37 (hg19) VCF-style: chr2-233392121-A-C.
Other names: c.-63A>C (NM_001311195.2, NM_001311196.2); c.198+737A>C (NM_001256657.2); short protein forms E70A.
Identifiers: ClinVar variation 3603622 (VCV003603622.2).

ClinVar aggregate classification (germline): Uncertain significance (1 of 4 stars; one submission).

Conditions:
Lethal multiple pterygium syndrome (LMPS). Identifiers: Orphanet 33108, MedGen C1854678, MONDO:0009668, OMIM 253290.

gnomAD v4.1: 7 of 1,613,272 alleles (0.00043%); highest among the groups gnomAD compares: Admixed American, 0.0017%; no homozygotes.

Submission:

Labcorp Genetics (formerly Invitae), Labcorp
Classification: Uncertain significance for Lethal multiple pterygium syndrome. Last evaluated: 2024-08-27. Review status: criteria provided, single submitter. Criteria: Invitae Variant Classification Sherloc (09022015). Collection method: clinical testing. Allele origin: germline.
Comment: This sequence change replaces glutamic acid, which is acidic and polar, with alanine, which is neutral and non-polar, at codon 70 of the CHRND protein (p.Glu70Ala). This variant is present in population databases (rs773355463, gnomAD 0.003%). This variant has not been reported in the literature in individuals affected with CHRND-related conditions. Invitae Evidence Modeling of protein sequence and biophysical properties (such as structural, functional, and spatial information, amino acid conservation, physicochemical variation, residue mobility, and thermodynamic stability) indicates that this missense variant is not expected to disrupt CHRND protein function with a negative predictive value of 80%. In summary, the available evidence is currently insufficient to determine the role of this variant in disease. Therefore, it has been classified as a Variant of Uncertain Significance.